The following is an entry in ClinVar:

ClinVar aggregate classification (germline): Uncertain significance. Review status: criteria provided, multiple submitters, no conflicts (2 of 4 stars). 5 submissions from 5 submitters: Uncertain significance (5). Last evaluated 2025-05-19.

Conditions:
Fanconi anemia complementation group J. Also called: BRIP1-Related Fanconi Anemia. Identifiers: Orphanet 84, MedGen C1836860, MONDO:0012187, OMIM 609054.
Familial cancer of breast. Also called: hereditary breast carcinoma; BREAST CANCER, FAMILIAL; Hereditary breast cancer. Identifiers: Orphanet 227535, MedGen C0346153, MONDO:0016419, OMIM 114480. Disease mechanism: loss of function.
Hereditary cancer-predisposing syndrome. Also called: Tumor predisposition; Hereditary Cancer Syndrome; Hereditary neoplastic syndrome; Neoplastic Syndromes, Hereditary. Identifiers: Orphanet 140162, MedGen C0027672, MeSH D009386, MONDO:0015356.

gnomAD v4.1: 6 of 1,613,778 alleles (0.00037%); highest among the groups gnomAD compares: Non-Finnish European, 0.00042%; no homozygotes.

Submissions (5):

Ambry Genetics
Classification: Uncertain significance for Hereditary cancer-predisposing syndrome. Last evaluated: 2025-05-19. Review status: criteria provided, single submitter. Criteria: Ambry Variant Classification Scheme 2023. Collection method: clinical testing. Allele origin: germline.
Comment: The p.E45K variant (also known as c.133G>A), located in coding exon 2 of the BRIP1 gene, results from a G to A substitution at nucleotide position 133. The glutamic acid at codon 45 is replaced by lysine, an amino acid with similar properties. This amino acid position is highly conserved in available vertebrate species. In addition, this alteration is predicted to be deleterious by in silico analysis. Since supporting evidence is limited at this time, the clinical significance of this alteration remains unclear.

Labcorp Genetics (formerly Invitae), Labcorp
Classification: Uncertain significance for Familial cancer of breast; Fanconi anemia complementation group J. Last evaluated: 2024-10-01. Review status: criteria provided, single submitter. Criteria: Invitae Variant Classification Sherloc (09022015). Collection method: clinical testing. Allele origin: germline.
Comment: This sequence change replaces glutamic acid, which is acidic and polar, with lysine, which is basic and polar, at codon 45 of the BRIP1 protein (p.Glu45Lys). This variant is present in population databases (rs587781292, gnomAD 0.007%). This variant has not been reported in the literature in individuals affected with BRIP1-related conditions. ClinVar contains an entry for this variant (Variation ID: 234641). Invitae Evidence Modeling of protein sequence and biophysical properties (such as structural, functional, and spatial information, amino acid conservation, physicochemical variation, residue mobility, and thermodynamic stability) indicates that this missense variant is expected to disrupt BRIP1 protein function with a positive predictive value of 80%. In summary, the available evidence is currently insufficient to determine the role of this variant in disease. Therefore, it has been classified as a Variant of Uncertain Significance.

Women's Health and Genetics/Laboratory Corporation of America, LabCorp
Classification: Uncertain significance. Last evaluated: 2024-04-26. Review status: criteria provided, single submitter. Criteria: LabCorp Variant Classification Summary - May 2015. Collection method: clinical testing. Allele origin: germline.
Comment: Variant summary: BRIP1 c.133G>A (p.Glu45Lys) results in a conservative amino acid change located in the Helicase-like, DEXD box c2 type domain (IPR006554) of the encoded protein sequence. Four of five in-silico tools predict a damaging effect of the variant on protein function. The variant was absent in 251404 control chromosomes. The available data on variant occurrences in the general population are insufficient to allow any conclusion about variant significance. To our knowledge, no occurrence of c.133G>A in individuals affected with Fanconi Anemia Complementation Group J and no experimental evidence demonstrating its impact on protein function have been reported. ClinVar contains an entry for this variant (Variation ID: 234641). Based on the evidence outlined above, the variant was classified as uncertain significance.

GeneDx
Classification: Uncertain significance. Last evaluated: 2023-04-17. Review status: criteria provided, single submitter. Criteria: GeneDx Variant Classification Process June 2021. Collection method: clinical testing. Allele origin: germline. Affected: yes.
Comment: Not observed at significant frequency in large population cohorts (gnomAD); In silico analysis supports that this missense variant has a deleterious effect on protein structure/function; Has not been previously published as pathogenic or benign to our knowledge; This variant is associated with the following publications: (PMID: 26315354, 11301010)

Color Diagnostics, LLC DBA Color Health
Classification: Uncertain significance for Hereditary cancer-predisposing syndrome. Last evaluated: 2019-09-16. Review status: criteria provided, single submitter. Criteria: ACMG Guidelines, 2015. Collection method: clinical testing. Allele origin: germline.
Comment: This missense variant replaces glutamic acid with lysine at codon 45 of the BRIP1 protein. Computational prediction tool suggests that this variant may not impact protein structure and function (internally defined REVEL score threshold <= 0.5, PMID: 27666373). Splice site prediction tools suggest that this variant may not impact RNA splicing. To our knowledge, functional studies have not been performed for this variant. This variant has not been reported in individuals affected with hereditary cancer in the literature. This variant has been identified in 1/31404 chromosomes in the general population by the Genome Aggregation Database (gnomAD). The available evidence is insufficient to determine the role of this variant in disease conclusively. Therefore, this variant is classified as a Variant of Uncertain Significance.

NM_032043.3(BRIP1):c.133G>A (p.Glu45Lys)

Gene: BRIP1 (BRCA1 interacting DNA helicase 1; minus strand). Cytogenetic location: 17q23.2.
Variant type: single nucleotide variant.
Coding change: c.133G>A on transcript NM_032043.3 (MANE Select); coding-DNA position 133, G replaced by A.
Protein change: p.Glu45Lys; replaces glutamic acid 45 with lysine.
Molecular consequence: missense variant.
Genome position (GRCh38, 1-based): chr17:61,859,868, C>T on the plus strand (G>A on the coding strand, the complement: BRIP1 is on the minus strand). VCF-style: chr17-61859868-C-T. GRCh37 (hg19) VCF-style: chr17-59937229-C-T.
Other names: short protein forms E45K.
Identifiers: ClinVar variation 234641 (VCV000234641.19), dbSNP rs587781292, ClinGen allele CA8690988.